The following is an entry in ClinVar:

NM_001282225.2(ADA2):c.548T>C (p.Leu183Pro)

Gene: ADA2 (adenosine deaminase 2; minus strand). Cytogenetic location: 22q11.1.
Variant type: single nucleotide variant.
Coding change: c.548T>C on transcript NM_001282225.2 (MANE Select); coding-DNA position 548, T replaced by C.
Protein change: p.Leu183Pro; replaces leucine 183 with proline.
Genome position (GRCh38, 1-based): chr22:17,203,768, A>G on the plus strand (T>C on the coding strand, the complement: ADA2 is on the minus strand). VCF-style: chr22-17203768-A-G. GRCh37 (hg19) VCF-style: chr22-17684658-A-G.
Other names: c.548T>C, p.Leu183Pro (NM_001282226.2); c.422T>C, p.Leu141Pro (NM_001282227.2, NM_001282228.2); c.188T>C, p.Leu63Pro (NM_001282229.2); short protein forms L141P, L183P, L63P.
Identifiers: ClinVar variation 1691821 (VCV001691821.3), dbSNP rs2517346966, ClinGen allele CA410228956.
Genomic context (GRCh38, chr22:17,203,768, plus strand): 5'-ACAACATTTTGGTTTGTGTAAATCACCTCCGGGTGCTGGGTCACCAGAGTGAAATTCCTC[A>G]GCAAGCTGTCCAAGACACGAAGTGGGGAGTGGCAGAGGCATGATCCAGGACACTGCCCCC-3'
Protein context (NP_001269154.1, residues 173-193): QNVTEFDDSL[Leu183Pro]RNFTLVTQHP

ClinVar aggregate classification (germline): Likely pathogenic. Review status: criteria provided, single submitter (1 of 4 stars). 2 submissions from 2 submitters: Likely pathogenic (1). 1 of the submissions does not count toward it. Last evaluated 2024-06-18.

Conditions:
Deficiency of adenosine deaminase 2. Also called: Polyarteritis nodosa, childhoood-onset; Adenosine Deaminase 2 Deficiency; VASCULITIS, AUTOINFLAMMATION, IMMUNODEFICIENCY, AND HEMATOLOGIC DEFECTS SYNDROME. Identifiers: Orphanet 404553, MedGen C3887654, MONDO:0014306, OMIM 615688, MONDO:0100317.
Sneddon syndrome (SNDNS). Also called: LIVEDO RETICULARIS AND CEREBROVASCULAR ACCIDENTS; Idiopathic livedo reticularis with systemic involvement. Identifiers: Orphanet 820, MedGen C0282492, MONDO:0008436, OMIM 182410.

gnomAD v4.1: 1 of 1,612,924 alleles (0.000062%); no homozygotes.

Submissions (2):

Fulgent Genetics
Classification: Likely pathogenic for Sneddon syndrome; Deficiency of adenosine deaminase 2. Last evaluated: 2024-06-18. Review status: criteria provided, single submitter. Criteria: ACMG Guidelines, 2015. Collection method: clinical testing. Allele origin: germline.

UOSD Laboratory of Genetics & Genomics of Rare Diseases, Istituto Giannina Gaslini
Classification: Likely pathogenic for Deficiency of adenosine deaminase 2. Last evaluated: 2022-06-21. Review status: no assertion criteria provided. Collection method: research. Allele origin: biparental. Inheritance: Autosomal recessive inheritance. Affected: yes. Observed: 1 homozygote. Not counted in ClinVar's aggregate classification.
Comment: The p.Leu183Pro (c. 548 T>C) in ADA2 gene was detected in homozygosity.

Literature cited by the submitters: PubMed 34577178 (cited by UOSD Laboratory of Genetics & Genomics of Rare Diseases, Istituto Giannina Gaslini).